The following is an entry in ClinVar:

NM_001430.5(EPAS1):c.*1260T>C

Gene: EPAS1 (endothelial PAS domain protein 1; plus strand). Cytogenetic location: 2p21.
Variant type: single nucleotide variant.
Coding change: c.*1260T>C on transcript NM_001430.5 (MANE Select); 1260 bases downstream of the stop codon, T replaced by C.
Molecular consequence: 3 prime UTR variant.
Genome position (GRCh38, 1-based): chr2:46,385,920, T>C. VCF-style: chr2-46385920-T-C. GRCh37 (hg19) VCF-style: chr2-46613059-T-C.
Identifiers: ClinVar variation 896278 (VCV000896278.4), dbSNP rs148215665, ClinGen allele CA46572506.
Genomic context (GRCh38, chr2:46,385,920, plus strand): 5'-CAGAACTACCATGAGATGGTTTAGACGGGAATTCATGCAAATGAGGGGTCAAAAATGGTA[T>C]AGTGACCCCGTCCACGTCCTCCAAGCTCACGACCTTGGAGCCCCGTGGAGCTGGACTGAG-3'

ClinVar aggregate classification (germline): Benign (1 of 4 stars; one submission).

Conditions:
Erythrocytosis, familial, 4 (ECYT4). Identifiers: Orphanet 247511, MedGen C2673187, MONDO:0012729, OMIM 611783.

Allele frequency attached by ClinVar (database versions not stated): 1000 Genomes Project 30x 0.00141; TOPMed 0.00087; 1000 Genomes Project 0.00120.

Submission:

Illumina Laboratory Services, Illumina
Classification: Benign for Erythrocytosis, familial, 4. Last evaluated: 2018-01-12. Review status: criteria provided, single submitter. Criteria: ICSL Variant Classification Criteria 13 December 2019. Collection method: clinical testing. Allele origin: germline.
Comment: This variant was observed in the ICSL laboratory as part of a predisposition screen in an ostensibly healthy population. It had not been previously curated by ICSL or reported in the Human Gene Mutation Database (HGMD: prior to June 1st, 2018), and was therefore a candidate for classification through an automated scoring system. Utilizing variant allele frequency, disease prevalence and penetrance estimates, and inheritance mode, an automated score was calculated to assess if this variant is too frequent to cause the disease. Based on the score and internal cut-off values, a variant classified as benign is not then subjected to further curation. The score for this variant resulted in a classification of benign for this disease.